The following is an entry in ClinVar:

ClinVar aggregate classification (germline): Pathogenic (1 of 4 stars; one submission).

Conditions:
Hereditary cancer-predisposing syndrome. Also called: Neoplastic Syndromes, Hereditary; Tumor predisposition; Hereditary neoplastic syndrome; Hereditary Cancer Syndrome. Identifiers: Orphanet 140162, MedGen C0027672, MeSH D009386, MONDO:0015356.

Submission:

Ambry Genetics
Classification: Pathogenic for Hereditary cancer-predisposing syndrome. Last evaluated: 2024-03-22. Review status: criteria provided, single submitter. Criteria: Ambry Variant Classification Scheme 2023. Collection method: clinical testing. Allele origin: germline.
Comment: The c.3788delG pathogenic mutation, located in coding exon 25 of the ATM gene, results from a deletion of one nucleotide at nucleotide position 3788, causing a translational frameshift with a predicted alternate stop codon (p.S1263Ifs*6). This variant is considered to be rare based on population cohorts in the Genome Aggregation Database (gnomAD). This alteration is expected to result in loss of function by premature protein truncation or nonsense-mediated mRNA decay. As such, this alteration is interpreted as a disease-causing mutation.

NM_000051.4(ATM):c.3788del (p.Ser1263fs)

Gene: ATM (ATM serine/threonine kinase; plus strand). Cytogenetic location: 11q22.3.
Variant type: Deletion.
Coding change: c.3788del on transcript NM_000051.4 (MANE Select); coding-DNA position 3788, one base deleted (G; older notation c.3788delG).
Protein change: p.Ser1263fs; shifts the reading frame from serine 1263.
Molecular consequence: frameshift variant.
Genome position (GRCh38, 1-based): chr11:108,284,268, G deleted. VCF-style (leftmost placement, unchanged base first): chr11-108284267-AG-A. GRCh37 (hg19) VCF-style: chr11-108154994-AG-A.
Other names: c.3788del, p.Ser1263fs (NM_001351834.2); short protein forms S1263fs.
Identifiers: ClinVar variation 3324946 (VCV003324946.1).